The following is an entry in ClinVar:

ClinVar aggregate classification (germline): Uncertain significance. Review status: reviewed by expert panel (3 of 4 stars). 2 submissions from 2 submitters: Uncertain significance (1). 1 of the submissions does not count toward it. Last evaluated 2026-01-06.

Conditions:
von Willebrand disease type 2 (VWD2). Also called: VON WILLEBRAND DISEASE, TYPE 2A/IIE; VON WILLEBRAND DISEASE, TYPE 2CB; VON WILLEBRAND DISEASE, TYPE II; VWD, TYPE 2. Identifiers: Orphanet 166081, Orphanet 903, MedGen C1264040, MONDO:0013304, OMIM 613554.
Von Willebrand disease type 2A. Identifiers: Orphanet 166084, MedGen C1282968, MONDO:0015628. Inheritance: Autosomal recessive or autosomal dominant.

Submissions (2):

ClinGen von Willebrand Disease Variant Curation Expert Panel, ClinGen
Classification: Uncertain significance for Von Willebrand disease type 2A. Last evaluated: 2026-01-06. Review status: reviewed by expert panel. Criteria: ClinGen VWD 2A B M Rules. Collection method: curation. Allele origin: germline. Inheritance: Autosomal dominant inheritance.
Comment: The NM_000552.5(VWF):c.4551C>G (p.Ser1517Arg) variant in VWF is a missense variant predicted to cause substitution of phenylalanine by cysteine at amino acid 1514. This variant is absent from gnomAD v4.1.0 (PM2_Supporting). The computational predictor REVEL gives a score of 0.7, which is above the ClinGen VWD VCEP threshold of >0.644 and predicts a damaging effect on VWF function (PP3). At least 1 proband with this variant displayed excessive mucocutaneous bleeding as well as laboratory phenotypes of very low VWF activity (measured by VWF:RCo), low activity/VWF:Ag ratio and loss of high molecular weight multimers, which together are highly specific for VWD type 2A. (PP4_moderate, PMIDs 37215093, 38315875, 26206100, 35452508). The variant has been reported to segregate with VWD type 2A through at least 2 affected meioses from 1 family (PP1; PMID 37215093). In summary, this variant meets the criteria to be classified as uncertain significance for autosomal dominant von Willebrand disease Type 2A based on the ACMG/AMP criteria applied, as specified by the ClinGen VWD VCEP: PM2_supporting, PP3, PP4_moderate, PP1.

Angelo Bianchi Bonomi Hemophilia and Thrombosis Center, Fondazione IRCCS Ca Granda Ospedale Maggiore Policlinico
Classification: Likely pathogenic for von Willebrand disease type 2. Last evaluated: 2022-04-26. Review status: no assertion criteria provided. Collection method: clinical testing. Allele origin: germline. Affected: yes. Not counted in ClinVar's aggregate classification.

NM_000552.5(VWF):c.4551C>G (p.Ser1517Arg)

Gene: VWF (von Willebrand factor; minus strand). Cytogenetic location: 12p13.31.
Variant type: single nucleotide variant.
Coding change: c.4551C>G on transcript NM_000552.5 (MANE Select); coding-DNA position 4551, C replaced by G.
Protein change: p.Ser1517Arg; replaces serine 1517 with arginine.
Molecular consequence: missense variant.
Genome position (GRCh38, 1-based): chr12:6,018,867, G>C on the plus strand (C>G on the coding strand, the complement: VWF is on the minus strand). VCF-style: chr12-6018867-G-C. GRCh37 (hg19) VCF-style: chr12-6128033-G-C.
Other names: NM_000552.5(VWF):c.4551C>G; p.Ser1517Arg; short protein forms S1517R.
Identifiers: ClinVar variation 1683998 (VCV001683998.2), dbSNP rs2136412350, ClinGen allele CA383501350.